The following is an entry in ClinVar:

NM_001267550.2(TTN):c.78989G>A (p.Ser26330Asn)

Genes: TTN (titin; minus strand), TTN-AS1 (TTN antisense RNA 1; plus strand). Cytogenetic location: 2q31.2.
Variant type: single nucleotide variant.
Coding change: c.78989G>A on transcript NM_001267550.2 (MANE Select); coding-DNA position 78989, G replaced by A.
Protein change: p.Ser26330Asn; replaces serine 26330 with asparagine.
Molecular consequence: missense variant.
Genome position (GRCh38, 1-based): chr2:178,567,143, C>T on the plus strand (G>A on the coding strand, the complement: TTN is on the minus strand). VCF-style: chr2-178567143-C-T. GRCh37 (hg19) VCF-style: chr2-179431870-C-T.
Other names: c.74066G>A, p.Ser24689Asn (NM_001256850.1); c.51794G>A, p.Ser17265Asn (NM_003319.4); c.71285G>A, p.Ser23762Asn (NM_133378.4); c.52169G>A, p.Ser17390Asn (NM_133432.3); c.52370G>A, p.Ser17457Asn (NM_133437.4); short protein forms S17265N, S24689N, S26330N, S17390N, S17457N, S23762N.
Identifiers: ClinVar variation 932055 (VCV000932055.3), dbSNP rs1427996263, ClinGen allele CA349600306.

ClinVar aggregate classification (germline): Uncertain significance (1 of 4 stars; one submission).

Allele frequency attached by ClinVar (database versions not stated): TOPMed 0.00001; gnomAD 0.00001; gnomAD exomes 0.00001.
gnomAD v4.1: 9 of 1,613,394 alleles (0.00056%); highest among the groups gnomAD compares: South Asian, 0.0022%; no homozygotes.

Submission:

Centre for Mendelian Genomics, University Medical Centre Ljubljana
Classification: Uncertain significance. Last evaluated: 2019-02-22. Review status: criteria provided, single submitter. Criteria: ACMG Guidelines, 2015. Collection method: clinical testing. Allele origin: unknown. Affected: yes.
Comment: This variant was classified as: Uncertain significance. The available evidence on this variant's pathogenicity is insufficient or conflicting. The following ACMG criteria were applied in classifying this variant: PP3,BP1.